The following is an entry in ClinVar:

ClinVar aggregate classification (germline): Conflicting classifications of pathogenicity. Review status: criteria provided, conflicting classifications (1 of 4 stars). 4 submissions from 4 submitters: Uncertain significance (1); Likely benign (3). Last evaluated 2022-02-23.

Conditions:
Monogenic diabetes. Identifiers: Orphanet 183625, MedGen C3888631, MONDO:0015967.
Maturity-onset diabetes of the young type 8 (MODY8). Also called: DIABETES-PANCREATIC EXOCRINE DYSFUNCTION SYNDROME; DIABETES AND PANCREATIC EXOCRINE DYSFUNCTION. Identifiers: Orphanet 552, MedGen C1853297, MONDO:0012348, OMIM 609812.

Allele frequency attached by ClinVar (database versions not stated): ESP Exome Variant Server 0.00008; gnomAD 0.00011 and 0.00012; 1000 Genomes Project 30x 0.00016; 1000 Genomes Project 0.00020; gnomAD exomes 0.00021 and 0.00027; TOPMed 0.00022; ExAC 0.00026.
gnomAD v4.1: 333 of 1,613,464 alleles (0.021%); highest among the groups gnomAD compares: Middle Eastern, 0.3%; 1 homozygote.

Submissions (4):

New York Genome Center
Classification: Uncertain significance for Maturity-onset diabetes of the young type 8. Last evaluated: 2022-02-23. Review status: criteria provided, single submitter. Criteria: NYGC Assertion Criteria 2020. Collection method: clinical testing. Allele origin: germline. Observed: 1 heterozygote.

Fulgent Genetics
Classification: Likely benign for Maturity-onset diabetes of the young type 8. Last evaluated: 2021-08-18. Review status: criteria provided, single submitter. Criteria: ACMG Guidelines, 2015. Collection method: clinical testing. Allele origin: unknown.

Personalized Diabetes Medicine Program, University of Maryland School of Medicine
Classification: Likely benign for Monogenic diabetes. Last evaluated: 2017-06-01. Review status: criteria provided, single submitter. Criteria: ACMG Guidelines, 2015. Collection method: research. Allele origin: unknown. Observed: 1 variant allele, 1 heterozygote. Study: Personalized Diabetes Medicine Program.
Comment: ACMG Criteria:PP3 (8 predictors), BP4 (2 predictors), BS2 (11 cases and 13 controls in an online resource), BP5 (found in case with GCK pathogenic variant)

Breakthrough Genomics
Classification: Likely benign. Review status: criteria provided, single submitter. Criteria: ACMG Guidelines, 2015. Collection method: not provided. Allele origin: germline. Inheritance: Autosomal dominant inheritance. Affected: yes.

NM_001807.6(CEL):c.358G>A (p.Val120Ile)

Gene: CEL (carboxyl ester lipase; plus strand). Cytogenetic location: 9q34.13.
Variant type: single nucleotide variant.
Coding change: c.358G>A on transcript NM_001807.6 (MANE Select); coding-DNA position 358, G replaced by A.
Protein change: p.Val120Ile; replaces valine 120 with isoleucine.
Molecular consequence: missense variant.
Genome position (GRCh38, 1-based): chr9:133,065,057, G>A. VCF-style: chr9-133065057-G-A. GRCh37 (hg19) VCF-style: chr9-135940444-G-A.
Other names: c.358G>A (NM_001807.5); short protein forms V120I.
Identifiers: ClinVar variation 549532 (VCV000549532.6), dbSNP rs201336247, ClinGen allele CA5302979.
Genomic context (GRCh38, chr9:133,065,057, plus strand): 5'-CCAGGCGGGGCGTCTGGGGTCACCAGCCGCTCCCCCATCTCAGTCTCCCGGGACCTGCCC[G>A]TTATGATCTGGATCTATGGAGGCGCCTTCCTCATGGGGTCCGGCCATGGGGCCAACTTCC-3'
Protein context (NP_001798.3, residues 110-130): GRKQVSRDLP[Val120Ile]MIWIYGGAFL